The following is an entry in ClinVar:

NM_012233.3(RAB3GAP1):c.18+1G>C

Gene: RAB3GAP1 (RAB3 GTPase activating protein catalytic subunit 1; plus strand). Cytogenetic location: 2q21.3.
Variant type: single nucleotide variant.
Coding change: c.18+1G>C on transcript NM_012233.3 (MANE Select); the canonical splice donor site of the intron after coding-DNA position 18, G replaced by C.
Molecular consequence: splice donor variant.
Genome position (GRCh38, 1-based): chr2:135,052,326, G>C. VCF-style: chr2-135052326-G-C. GRCh37 (hg19) VCF-style: chr2-135809896-G-C.
Other names: c.18+1G>C (NM_001172435.2).
Identifiers: ClinVar variation 2627170 (VCV002627170.3), dbSNP rs1224313284, ClinGen allele CA348570153.

ClinVar aggregate classification (germline): Likely pathogenic. Review status: criteria provided, multiple submitters, no conflicts (2 of 4 stars). 2 submissions from 2 submitters: Likely pathogenic (2). Last evaluated 2025-01-13.

Conditions:
RAB3GAP1-related disorder. Also called: RAB3GAP1-related condition; RAB3GAP1-related disorders.

Allele frequency attached by ClinVar (database versions not stated): TOPMed below 0.00001.
gnomAD v4.1: 2 of 1,614,044 alleles (0.00012%); highest among the groups gnomAD compares: Non-Finnish European, 0.000085%; no homozygotes.

Submissions (2):

Labcorp Genetics (formerly Invitae), Labcorp
Classification: Likely pathogenic. Last evaluated: 2025-01-13. Review status: criteria provided, single submitter. Criteria: Invitae Variant Classification Sherloc (09022015). Collection method: clinical testing. Allele origin: germline.
Comment: This sequence change affects a donor splice site in intron 1 of the RAB3GAP1 gene. It is expected to disrupt RNA splicing. Variants that disrupt the donor or acceptor splice site typically lead to a loss of protein function (PMID: 16199547), and loss-of-function variants in RAB3GAP1 are known to be pathogenic (PMID: 23420520). This variant is not present in population databases (gnomAD no frequency). This variant has not been reported in the literature in individuals affected with RAB3GAP1-related conditions. ClinVar contains an entry for this variant (Variation ID: 2627170). Algorithms developed to predict the effect of sequence changes on RNA splicing suggest that this variant may disrupt the consensus splice site. In summary, the currently available evidence indicates that the variant is pathogenic, but additional data are needed to prove that conclusively. Therefore, this variant has been classified as Likely Pathogenic.

Women's Health and Genetics/Laboratory Corporation of America, LabCorp
Classification: Likely pathogenic for RAB3GAP1-Related Disorders. Last evaluated: 2023-09-08. Review status: criteria provided, single submitter. Criteria: LabCorp Variant Classification Summary - May 2015. Collection method: clinical testing. Allele origin: germline.
Comment: Variant summary: RAB3GAP1 c.18+1G>C is located in a canonical splice-site and is predicted to affect mRNA splicing resulting in a significantly altered protein due to either exon skipping, shortening, or inclusion of intronic material. Several computational tools predict a significant impact on normal splicing: 4/4 predict the variant abolishes a canonical 5' splicing donor site, and 2/2 predict the variant strengthens an existing cryptic 5' donor site located 5nt upstream in exon 1. However, these predictions have yet to be confirmed by functional studies. The variant was absent in 251476 control chromosomes (gnomAD). To our knowledge, no occurrence of c.18+1G>C in individuals affected with RAB3GAP1-Related Disorders and no experimental evidence demonstrating its impact on protein function have been reported. No submitters have cited clinical-significance assessments for this variant to ClinVar after 2014. Based on the evidence outlined above, the variant was classified as likely pathogenic.

Literature cited by the submitters: PubMed 16199547 (cited by Labcorp Genetics (formerly Invitae), Labcorp); PubMed 23420520 (cited by Labcorp Genetics (formerly Invitae), Labcorp).